The following is an entry in ClinVar:

ClinVar aggregate classification (germline): Uncertain significance. Review status: criteria provided, multiple submitters, no conflicts (2 of 4 stars). 2 submissions from 2 submitters: Uncertain significance (2). Last evaluated 2025-10-05.

Conditions:
Beckwith-Wiedemann syndrome (BWS). Also called: EMG SYNDROME; Exomphalos macroglossia gigantism syndrome. Identifiers: Orphanet 116, MedGen C0004903, MONDO:0007534, OMIM 130650.

Allele frequency attached by ClinVar (database versions not stated): ExAC below 0.00001; TOPMed 0.00001.

Submissions (2):

Labcorp Genetics (formerly Invitae), Labcorp
Classification: Uncertain significance for Beckwith-Wiedemann syndrome. Last evaluated: 2025-10-05. Review status: criteria provided, single submitter. Criteria: Invitae Variant Classification Sherloc (09022015). Collection method: clinical testing. Allele origin: germline.
Comment: This sequence change replaces proline, which is neutral and non-polar, with glutamine, which is neutral and polar, at codon 148 of the CDKN1C protein (p.Pro148Gln). This variant is not present in population databases (gnomAD no frequency). This variant has not been reported in the literature in individuals affected with CDKN1C-related conditions. ClinVar contains an entry for this variant (Variation ID: 454001). Experimental studies and prediction algorithms are not available or were not evaluated, and the functional significance of this variant is currently unknown. In summary, the available evidence is currently insufficient to determine the role of this variant in disease. Therefore, it has been classified as a Variant of Uncertain Significance.

Baylor Genetics
Classification: Uncertain significance for Beckwith-Wiedemann syndrome. Last evaluated: 2024-03-12. Review status: criteria provided, single submitter. Criteria: ACMG Guidelines, 2015. Collection method: clinical testing. Allele origin: unknown.

NM_001122630.2(CDKN1C):c.410C>A (p.Pro137Gln)

Gene: CDKN1C (cyclin dependent kinase inhibitor 1C; minus strand). Cytogenetic location: 11p15.4.
Variant type: single nucleotide variant.
Coding change: c.410C>A on transcript NM_001122630.2 (MANE Select); coding-DNA position 410, C replaced by A.
Protein change: p.Pro137Gln; replaces proline 137 with glutamine.
Molecular consequence: missense variant. On other transcripts: intron variant (1).
Genome position (GRCh38, 1-based): chr11:2,885,047, G>T on the plus strand (C>A on the coding strand, the complement: CDKN1C is on the minus strand). VCF-style: chr11-2885047-G-T. GRCh37 (hg19) VCF-style: chr11-2906277-G-T.
Other names: c.443C>A, p.Pro148Gln (NM_000076.2, NM_001362474.2, LRG_533t1); c.410C>A, p.Pro137Gln (NM_001122631.2); c.255+155C>A (NM_001362475.2); short protein forms P148Q, P137Q.
Identifiers: ClinVar variation 454001 (VCV000454001.12), dbSNP rs754671425, ClinGen allele CA5822209.